The following is an entry in ClinVar:

NM_212482.4(FN1):c.7299C>A (p.Pro2433=)

Genes: FN1 (fibronectin 1; minus strand), ATIC (5-aminoimidazole-4-carboxamide ribonucleotide formyltransferase/IMP cyclohydrolase; plus strand). Cytogenetic location: 2q35.
Variant type: single nucleotide variant.
Coding change: c.7299C>A on transcript NM_212482.4 (MANE Select); coding-DNA position 7299, C replaced by A.
Protein change: p.Pro2433=; no amino-acid change (proline 2433 retained).
Molecular consequence: synonymous variant.
Genome position (GRCh38, 1-based): chr2:215,362,032, G>T on the plus strand (C>A on the coding strand, the complement: FN1 is on the minus strand). VCF-style: chr2-215362032-G-T. GRCh37 (hg19) VCF-style: chr2-216226755-G-T.
Other names: c.6681C>A, p.Pro2227= (NM_001365523.2); c.6666C>A, p.Pro2222= (NM_001365524.2); c.6933C>A, p.Pro2311= (NM_002026.4); c.6396C>A, p.Pro2132= (NM_212474.3); c.6756C>A, p.Pro2252= (NM_212476.3); c.6858C>A, p.Pro2286= (NM_212478.3); c.7206C>A, p.Pro2402= (NM_001306129.2); c.6669C>A, p.Pro2223= (NM_001306130.2); and 8 more.
Identifiers: ClinVar variation 5040118 (VCV005040118.1).
Genomic context (GRCh38, chr2:215,362,032, plus strand): 5'-GTTTGTTCTCTGATGGTATCTCTGAGAATACTGGTTGTAGGACTGGCCAGTAGTGCCTTC[G>T]GGACTGGGTTCACCCCCAGGTCTGCGGCAGTTGTCACAGCGCCAGCCCTGAGAGAGTAGA-3'
Protein context (NP_997647.2, residues 2423-2443): NCRRPGGEPS[Pro2433=]EGTTGQSYNQ

ClinVar aggregate classification (germline): Likely benign (1 of 4 stars; one submission).

Submission:

CeGaT Center for Human Genetics Tuebingen
Classification: Likely benign. Last evaluated: 2026-07-01. Review status: criteria provided, single submitter. Criteria: CeGaT Center For Human Genetics Tuebingen Variant Classification Criteria Version 2. Collection method: clinical testing. Allele origin: germline. Affected: yes. Observed: 1 variant allele.
Comment: FN1: PM2:Supporting, BP4, BP7